The following is an entry in ClinVar:

NM_000091.5(COL4A3):c.2756G>T (p.Gly919Val)

Genes: COL4A3 (collagen type IV alpha 3 chain; plus strand), MFF-DT (MFF divergent transcript; minus strand). Cytogenetic location: 2q36.3.
Variant type: single nucleotide variant.
Coding change: c.2756G>T on transcript NM_000091.5 (MANE Select); coding-DNA position 2756, G replaced by T.
Protein change: p.Gly919Val; replaces glycine 919 with valine.
Molecular consequence: missense variant.
Genome position (GRCh38, 1-based): chr2:227,284,220, G>T. VCF-style: chr2-227284220-G-T. GRCh37 (hg19) VCF-style: chr2-228148936-G-T.
Other names: short protein forms G919V.
Identifiers: ClinVar variation 3251652 (VCV003251652.2), dbSNP rs1445819062.

ClinVar aggregate classification (germline): Conflicting classifications of pathogenicity. Review status: criteria provided, conflicting classifications (1 of 4 stars). 2 submissions from 2 submitters: Likely pathogenic (1); Uncertain significance (1). Last evaluated 2024-05-01.

Conditions:
Autosomal dominant Alport syndrome (ATS3A). Also called: Alport syndrome dominant type; Renal failure and sensorineural hearing loss; ALPORT SYNDROME 3A, AUTOSOMAL DOMINANT. Identifiers: Orphanet 63, Orphanet 88918, MedGen C5882663, MONDO:0007086, OMIM 104200.
Hematuria, benign familial, 2 (BFH2). Identifiers: MedGen C5830421, MONDO:0958186, OMIM 620320.
Alport syndrome 3b, autosomal recessive. Identifiers: MedGen C5882699, MONDO:0957811, OMIM 620536.

gnomAD v4.1: 1 of 1,614,088 alleles (0.000062%); highest among the groups gnomAD compares: Admixed American, 0.0017%; no homozygotes.

Submissions (2):

Fulgent Genetics
Classification: Likely pathogenic for Autosomal dominant Alport syndrome; Hematuria, benign familial, 2; Alport syndrome 3b, autosomal recessive. Last evaluated: 2024-05-01. Review status: criteria provided, single submitter. Criteria: ACMG Guidelines, 2015. Collection method: clinical testing. Allele origin: germline.

Women's Health and Genetics/Laboratory Corporation of America, LabCorp
Classification: Uncertain significance. Last evaluated: 2024-04-30. Review status: criteria provided, single submitter. Criteria: LabCorp Variant Classification Summary - May 2015. Collection method: clinical testing. Allele origin: germline.
Comment: Variant summary: COL4A3 c.2756G>T (p.Gly919Val) results in a non-conservative amino acid change in the encoded protein sequence. Five of five in-silico tools predict a damaging effect of the variant on protein function. The variant allele was found at a frequency of 4e-06 in 249308 control chromosomes. The available data on variant occurrences in the general population are insufficient to allow any conclusion about variant significance. To our knowledge, no occurrence of c.2756G>T in individuals affected with Alport Syndrome, Autosomal Recessive and no experimental evidence demonstrating its impact on protein function have been reported. No submitters have cited clinical-significance assessments for this variant to ClinVar. Based on the evidence outlined above, the variant was classified as uncertain significance.